The following is an entry in ClinVar:

ClinVar aggregate classification (germline): Likely benign (0 of 4 stars; one submission).

Conditions:
DNHD1-related disorder. Also called: DNHD1-related condition.

Allele frequency attached by ClinVar (database versions not stated): gnomAD exomes 0.00008; ExAC 0.00026; 1000 Genomes Project 30x 0.00047; 1000 Genomes Project 0.00060; gnomAD 0.00064; TOPMed 0.00074.
gnomAD v4.1: 230 of 1,551,660 alleles (0.015%); highest among the groups gnomAD compares: African/African-American, 0.22%; no homozygotes.

Submission:

PreventionGenetics, part of Exact Sciences
Classification: Likely benign for DNHD1-related condition. Last evaluated: 2019-12-02. Review status: no assertion criteria provided. Collection method: clinical testing. Allele origin: germline.
Comment: This variant is classified as likely benign based on ACMG/AMP sequence variant interpretation guidelines (Richards et al. 2015 PMID: 25741868, with internal and published modifications).

NM_144666.3(DNHD1):c.9957G>C (p.Val3319=)

Gene: DNHD1 (dynein heavy chain domain 1; plus strand). Cytogenetic location: 11p15.4.
Variant type: single nucleotide variant.
Coding change: c.9957G>C on transcript NM_144666.3 (MANE Select); coding-DNA position 9957, G replaced by C.
Protein change: p.Val3319=; no amino-acid change (valine 3319 retained).
Molecular consequence: synonymous variant.
Genome position (GRCh38, 1-based): chr11:6,563,797, G>C. VCF-style: chr11-6563797-G-C. GRCh37 (hg19) VCF-style: chr11-6585027-G-C.
Identifiers: ClinVar variation 3048158 (VCV003048158.2), dbSNP rs138570572, ClinGen allele CA5856461.